The following is an entry in ClinVar:

NM_001110556.2(FLNA):c.5129TCT[1] (p.Phe1711del)

Gene: FLNA (filamin A; minus strand). Cytogenetic location: Xq28.
Variant type: Microsatellite.
Coding change: c.5129TCT[1] on transcript NM_001110556.2 (MANE Select); one copy of the 3-base unit TCT starting at c.5129; the reference has two copies in a row; one copy, 3 bases deleted.
Protein change: p.Phe1711del; deletes phenylalanine 1711.
Molecular consequence: inframe deletion.
Genome position (GRCh38, 1-based): chrX:154,354,908-154,354,910, AGA deleted on the plus strand (TCT on the coding strand, the reverse complement: FLNA is on the minus strand); deleting any 3 consecutive bases within chrX:154,354,908-154,354,913 gives the same sequence; the position shown is the placement nearest the transcript's 3' end. VCF-style (leftmost placement, unchanged base first): chrX-154354907-TAGA-T. GRCh37 (hg19) VCF-style: chrX-153583275-TAGA-T.
Other names: c.5105TCT[1], p.Phe1703del (NM_001456.4); short protein forms F1711del, F1703del.
Identifiers: ClinVar variation 1745377 (VCV001745377.5), dbSNP rs2522728351, ClinGen allele CA2580612316.

ClinVar aggregate classification (germline): Uncertain significance. Review status: criteria provided, multiple submitters, no conflicts (2 of 4 stars). 2 submissions from 2 submitters: Uncertain significance (2). Last evaluated 2024-08-31.

Conditions:
Familial thoracic aortic aneurysm and aortic dissection (TAAD). Also called: Thoracic aortic aneurysms and dissections. Identifiers: Orphanet 91387, MedGen C4707243, MONDO:0019625.
Melnick-Needles syndrome (MNS). Also called: MELNICK-NEEDLES OSTEODYSPLASTY; OSTEODYSPLASTY OF MELNICK AND NEEDLES; Melnick-Needles Syndrome (FLNA-MNS). Identifiers: Orphanet 2484, MedGen C0025237, MONDO:0010650, OMIM 309350.
Heterotopia, periventricular, X-linked dominant (PVNH1). Also called: PERIVENTRICULAR NODULAR HETEROTOPIA 1; X-linked periventricular heterotopia; HETEROTOPIA, PERIVENTRICULAR, 1; PERIVENTRICULAR NODULAR HETEROTOPIA 4. Identifiers: Orphanet 2149, Orphanet 82004, MedGen C1848213, MONDO:0010233, OMIM 300049.
Oto-palato-digital syndrome, type II (OPD2). Also called: OPD II SYNDROME; Otopalatodigital Syndrome, Type II; FACIOPALATOOSSEOUS SYNDROME; Otopalatodigital Syndrome Type 2 (FLNA-OPD2). Identifiers: Orphanet 669, Orphanet 90652, MedGen C1844696, MONDO:0010571, OMIM 304120.
Frontometaphyseal dysplasia (FMD1). Identifiers: Orphanet 1826, MedGen C0265293, MONDO:0015942.

Submissions (2):

Labcorp Genetics (formerly Invitae), Labcorp
Classification: Uncertain significance for Oto-palato-digital syndrome, type II; Heterotopia, periventricular, X-linked dominant; Frontometaphyseal dysplasia; Melnick-Needles syndrome. Last evaluated: 2024-08-31. Review status: criteria provided, single submitter. Criteria: Invitae Variant Classification Sherloc (09022015). Collection method: clinical testing. Allele origin: germline.
Comment: This variant, c.5108_5110del, results in the deletion of 1 amino acid(s) of the FLNA protein (p.Phe1703del), but otherwise preserves the integrity of the reading frame. This variant is not present in population databases (gnomAD no frequency). This variant has not been reported in the literature in individuals affected with FLNA-related conditions. ClinVar contains an entry for this variant (Variation ID: 1745377). Experimental studies and prediction algorithms are not available or were not evaluated, and the functional significance of this variant is currently unknown. In summary, the available evidence is currently insufficient to determine the role of this variant in disease. Therefore, it has been classified as a Variant of Uncertain Significance.

Ambry Genetics
Classification: Uncertain significance for Familial thoracic aortic aneurysm and aortic dissection. Last evaluated: 2024-04-17. Review status: criteria provided, single submitter. Criteria: Ambry Variant Classification Scheme 2023. Collection method: clinical testing. Allele origin: germline.
Comment: The c.5108_5110delTCT variant (also known as p.F1703del) is located in coding exon 29 of the FLNA gene. This variant results from an in-frame TCT deletion at nucleotide positions 5108 to 5110. This results in the in-frame deletion of a phenylalanine at codon 1703. This amino acid position is well conserved in available vertebrate species. In addition, this alteration is predicted to be deleterious by in silico analysis (Choi Y et al. PLoS ONE. 2012; 7(10):e46688). Since supporting evidence is limited at this time, the clinical significance of this alteration remains unclear.